The following is an entry in ClinVar:

ClinVar aggregate classification (germline): Benign (1 of 4 stars; one submission).

Conditions:
Achromatopsia 2 (ACHM2). Also called: COLORBLINDNESS, TOTAL; ROD MONOCHROMACY 2; ROD MONOCHROMATISM 2. Identifiers: Orphanet 49382, MedGen C1857618, MONDO:0009003, OMIM 216900.

Allele frequency attached by ClinVar (database versions not stated): gnomAD 0.06141 and 0.06587; 1000 Genomes Project 0.06749; 1000 Genomes Project 30x 0.06902; TOPMed 0.07033.

Submission:

Illumina Laboratory Services, Illumina
Classification: Benign for Achromatopsia 2. Last evaluated: 2018-01-13. Review status: criteria provided, single submitter. Criteria: ICSL Variant Classification Criteria 13 December 2019. Collection method: clinical testing. Allele origin: germline.
Comment: This variant was observed in the ICSL laboratory as part of a predisposition screen in an ostensibly healthy population. It had not been previously curated by ICSL or reported in the Human Gene Mutation Database (HGMD: prior to June 1st, 2018), and was therefore a candidate for classification through an automated scoring system. Utilizing variant allele frequency, disease prevalence and penetrance estimates, and inheritance mode, an automated score was calculated to assess if this variant is too frequent to cause the disease. Based on the score and internal cut-off values, a variant classified as benign is not then subjected to further curation. The score for this variant resulted in a classification of benign for this disease.

NM_001298.3(CNGA3):c.*838T>C

Gene: CNGA3 (cyclic nucleotide gated channel subunit alpha 3; plus strand). Cytogenetic location: 2q11.2.
Variant type: single nucleotide variant.
Coding change: c.*838T>C on transcript NM_001298.3 (MANE Select); 838 bases downstream of the stop codon, T replaced by C.
Molecular consequence: 3 prime UTR variant.
Genome position (GRCh38, 1-based): chr2:98,398,093, T>C. VCF-style: chr2-98398093-T-C. GRCh37 (hg19) VCF-style: chr2-99014556-T-C.
Other names: c.*838T>C (NM_001079878.2).
Identifiers: ClinVar variation 337679 (VCV000337679.5), dbSNP rs13395005, ClinGen allele CA10616640.